The following is an entry in ClinVar:

ClinVar aggregate classification (germline): Pathogenic. Review status: criteria provided, multiple submitters, no conflicts (2 of 4 stars). 3 submissions from 3 submitters: Pathogenic (3). Last evaluated 2025-10-21.

Conditions:
Microphthalmia. Also called: Microphthalmos. Identifiers: MedGen C0026010, MONDO:0021129, HP:0000568.
Isolated microphthalmia 2. Identifiers: Orphanet 2542, MedGen C1864720, MONDO:0012409, OMIM 610093.

Submissions (3):

Natera, Inc.
Classification: Pathogenic for Microphthalmia. Last evaluated: 2025-10-21. Review status: criteria provided, single submitter. Criteria: Natera Variant Classification Schema (03/2026). Collection method: clinical testing. Allele origin: germline.
Comment: The c.598C>T variant in VSX2 is a nonsense variant predicted to introduce a stop codon at amino acid 200. This variant is expected to result in nonsense mediated decay, truncation, or a dysfunctional protein product. This variant is rare in the general population with a frequency below the threshold expected for the associated phenotype(s). This variant has been observed in one or more individuals affected with the associated recessive disease, as either homozygous or compound heterozygous with a second variant (PMID: 26995144, 20414678). Given the available evidence, this variant is classified as Pathogenic.

Labcorp Genetics (formerly Invitae), Labcorp
Classification: Pathogenic for Isolated microphthalmia 2. Last evaluated: 2023-03-04. Review status: criteria provided, single submitter. Criteria: Invitae Variant Classification Sherloc (09022015). Collection method: clinical testing. Allele origin: germline.
Comment: For these reasons, this variant has been classified as Pathogenic. ClinVar contains an entry for this variant (Variation ID: 1406550). This premature translational stop signal has been observed in individuals with bilateral anopthalmia (PMID: 20414678, 26995144). It has also been observed to segregate with disease in related individuals. This variant is present in population databases (rs768459071, gnomAD 0.007%). This sequence change creates a premature translational stop signal (p.Arg200*) in the VSX2 gene. It is expected to result in an absent or disrupted protein product. Loss-of-function variants in VSX2 are known to be pathogenic (PMID: 20414678).

Department of Biotechnology and Genetic Engineering, Kohat University of Science and Technology
Classification: Pathogenic for Isolated microphthalmia 2. Review status: criteria provided, single submitter. Criteria: ACMG Guidelines, 2015. Collection method: research. Allele origin: germline. Inheritance: Autosomal recessive inheritance. Affected: yes. Observed: 3 variant alleles, 3 homozygotes.
Comment: This sequence change creates a premature translational stop signal (p.Arg200*) in the VSX2 gene. It is expected to lead to a truncated or absent protein product. Loss-of-function (LoF) variants in VSX2 are a known mechanism of disease and have been associated with autosomal recessive microphthalmia (OMIM #610093). This variant is absent or extremely rare in population databases (gnomAD allele frequency: 0.00001177), supporting its rarity. In silico tools predict a damaging effect (MutationTaster: disease causing; REVEL score: 0.00), consistent with a deleterious consequence. Based on the available evidence and ACMG criteria (PVS1, PM2, PP1, PP5), this variant has been classified as Pathogenic.

Literature cited by the submitters: PubMed 26995144 (cited by Natera, Inc. and Labcorp Genetics (formerly Invitae), Labcorp); PubMed 20414678 (cited by Natera, Inc. and Labcorp Genetics (formerly Invitae), Labcorp).

NM_182894.3(VSX2):c.598C>T (p.Arg200Ter)

Gene: VSX2 (visual system homeobox 2; plus strand). Cytogenetic location: 14q24.3.
Variant type: single nucleotide variant.
Coding change: c.598C>T on transcript NM_182894.3 (MANE Select); coding-DNA position 598, C replaced by T.
Protein change: p.Arg200Ter; replaces arginine 200 with a stop codon.
Molecular consequence: nonsense.
Genome position (GRCh38, 1-based): chr14:74,259,620, C>T. VCF-style: chr14-74259620-C-T. GRCh37 (hg19) VCF-style: chr14-74726323-C-T.
Other names: short protein forms R200*.
Identifiers: ClinVar variation 1406550 (VCV001406550.6), dbSNP rs768459071, ClinGen allele CA7266394.
Genomic context (GRCh38, chr14:74,259,620, plus strand): 5'-ACCTCTCAGAGCAAGCCTCTGACCTGTTCTGTGCACCTGCAGGTCTGGTTCCAGAACCGT[C>T]GAGCCAAGTGGAGGAAGCGGGAGAAGTGCTGGGGCCGGAGCAGTGTCATGGCGGAGTATG-3'